The following is an entry in ClinVar:

NM_024996.7(GFM1):c.1601C>T (p.Pro534Leu)

Gene: GFM1 (G elongation factor mitochondrial 1; plus strand). Cytogenetic location: 3q25.32.
Variant type: single nucleotide variant.
Coding change: c.1601C>T on transcript NM_024996.7 (MANE Select); coding-DNA position 1601, C replaced by T.
Protein change: p.Pro534Leu; replaces proline 534 with leucine.
Molecular consequence: missense variant. On other transcripts: non-coding transcript variant (4).
Genome position (GRCh38, 1-based): chr3:158,666,386, C>T. VCF-style: chr3-158666386-C-T. GRCh37 (hg19) VCF-style: chr3-158384175-C-T.
Other names: c.1658C>T, p.Pro553Leu (NM_001308164.2); c.1601C>T, p.Pro534Leu (NM_001308166.2); c.1520C>T, p.Pro507Leu (NM_001374355.1); c.1484C>T, p.Pro495Leu (NM_001374356.1); c.1376C>T, p.Pro459Leu (NM_001374357.1); c.1142C>T, p.Pro381Leu (NM_001374358.1); c.1034C>T, p.Pro345Leu (NM_001374359.1, NM_001374360.1); c.917C>T, p.Pro306Leu (NM_001374361.1); short protein forms P459L, P534L, P553L, P306L, P345L, P381L, P495L, P507L.
Identifiers: ClinVar variation 2145906 (VCV002145906.1), dbSNP rs780929821, ClinGen allele CA2682707.
Genomic context (GRCh38, chr3:158,666,386, plus strand): 5'-GTCCTTGTATCACAGGAAAGCCAAAAGTTGCCTTTCGAGAGACCATTACTGCCCCTGTCC[C>T]GTAAGTATGCAACGTAATTAAACATTATGAGGCTGAAATTGAAGCTTTTTATTTTGGATA-3'
Protein context (NP_079272.4, residues 524-544): AFRETITAPV[Pro534Leu]FDFTHKKQSG

ClinVar aggregate classification (germline): Uncertain significance (1 of 4 stars; one submission).

Allele frequency attached by ClinVar (database versions not stated): ExAC 0.00001; gnomAD 0.00001; TOPMed 0.00002.

Submission:

Labcorp Genetics (formerly Invitae), Labcorp
Classification: Uncertain significance. Last evaluated: 2022-04-06. Review status: criteria provided, single submitter. Criteria: Invitae Variant Classification Sherloc (09022015). Collection method: clinical testing. Allele origin: germline.
Comment: This sequence change replaces proline, which is neutral and non-polar, with leucine, which is neutral and non-polar, at codon 534 of the GFM1 protein (p.Pro534Leu). This variant is present in population databases (rs780929821, gnomAD 0.005%). This variant has not been reported in the literature in individuals affected with GFM1-related conditions. Algorithms developed to predict the effect of missense changes on protein structure and function (SIFT, PolyPhen-2, Align-GVGD) all suggest that this variant is likely to be tolerated. Algorithms developed to predict the effect of sequence changes on RNA splicing suggest that this variant may disrupt the consensus splice site. In summary, the available evidence is currently insufficient to determine the role of this variant in disease. Therefore, it has been classified as a Variant of Uncertain Significance.